The following is an entry in ClinVar:

ClinVar aggregate classification (germline): Uncertain significance (1 of 4 stars; one submission).

Conditions:
Agammaglobulinemia 7, autosomal recessive (AGM7). Also called: AGAMMAGLOBULINEMIA, AUTOSOMAL RECESSIVE, DUE TO PIK3R1 DEFECT. Identifiers: MedGen C3554689, MONDO:0014083, OMIM 615214.
SHORT syndrome. Also called: SHORT STATURE, HYPEREXTENSIBILITY, HERNIA, OCULAR DEPRESSION, RIEGER ANOMALY, AND TEETHING DELAY; LIPODYSTROPHY, PARTIAL, WITH RIEGER ANOMALY AND SHORT STATURE; PIK3R1-Related SHORT Syndrome. Identifiers: Orphanet 3163, MedGen C0878684, MONDO:0010026, OMIM 269880.
Immunodeficiency 36 with lymphoproliferation. Also called: Immunodeficiency 36; Activated PI3K Delta Syndrome Type 2 (APDS2); ACTIVATED PI3K-DELTA SYNDROME 2. Identifiers: Orphanet 397596, Orphanet 693681, MedGen C4014934, MONDO:0014453, OMIM 616005.

gnomAD v4.1: 2 of 1,614,102 alleles (0.00012%); highest among the groups gnomAD compares: Non-Finnish European, 0.000085%; no homozygotes.

Submission:

Labcorp Genetics (formerly Invitae), Labcorp
Classification: Uncertain significance for SHORT syndrome; Immunodeficiency 36 with lymphoproliferation; Agammaglobulinemia 7, autosomal recessive. Last evaluated: 2026-01-14. Review status: criteria provided, single submitter. Criteria: Invitae Variant Classification Sherloc (09022015). Collection method: clinical testing. Allele origin: germline.
Comment: This sequence change replaces arginine, which is basic and polar, with threonine, which is neutral and polar, at codon 49 of the PIK3R1 protein (p.Arg49Thr). This variant is present in population databases (no rsID available, gnomAD 0.0009%). This variant has not been reported in the literature in individuals affected with PIK3R1-related conditions. An algorithm developed to predict the effect of missense changes on protein structure and function (PolyPhen-2) suggests that this variant is likely to be tolerated. In summary, the available evidence is currently insufficient to determine the role of this variant in disease. Therefore, it has been classified as a Variant of Uncertain Significance.

NM_181523.3(PIK3R1):c.146G>C (p.Arg49Thr)

Gene: PIK3R1 (phosphoinositide-3-kinase regulatory subunit 1; plus strand). Cytogenetic location: 5q13.1.
Variant type: single nucleotide variant.
Coding change: c.146G>C on transcript NM_181523.3 (MANE Select); coding-DNA position 146, G replaced by C.
Protein change: p.Arg49Thr; replaces arginine 49 with threonine.
Molecular consequence: missense variant.
Genome position (GRCh38, 1-based): chr5:68,226,821, G>C. VCF-style: chr5-68226821-G-C. GRCh37 (hg19) VCF-style: chr5-67522649-G-C.
Other names: short protein forms R49T.
Identifiers: ClinVar variation 4791385 (VCV004791385.1).